The following is an entry in ClinVar:

NM_017636.4(TRPM4):c.678C>G (p.Asp226Glu)

Gene: TRPM4 (transient receptor potential cation channel subfamily M member 4; plus strand). Cytogenetic location: 19q13.33.
Variant type: single nucleotide variant.
Coding change: c.678C>G on transcript NM_017636.4 (MANE Select); coding-DNA position 678, C replaced by G.
Protein change: p.Asp226Glu; replaces aspartic acid 226 with glutamic acid.
Molecular consequence: missense variant. On other transcripts: 5 prime UTR variant (2).
Genome position (GRCh38, 1-based): chr19:49,168,618, C>G. VCF-style: chr19-49168618-C-G. GRCh37 (hg19) VCF-style: chr19-49671875-C-G.
Other names: c.678C>G, p.Asp226Glu (NM_001195227.2); c.333C>G, p.Asp111Glu (NM_001321281.2); c.-876C>G (NM_001321282.2); c.156C>G, p.Asp52Glu (NM_001321283.2); c.-172C>G (NM_001321285.2); short protein forms D226E, D111E, D52E.
Identifiers: ClinVar variation 180561 (VCV000180561.3), dbSNP rs730880236, ClinGen allele CA346735.

ClinVar aggregate classification (germline): Uncertain significance. Review status: criteria provided, multiple submitters, no conflicts (2 of 4 stars). 2 submissions from 2 submitters: Uncertain significance (2). Last evaluated 2023-03-31.

Conditions:
Progressive familial heart block type IB (PFHB1B). Identifiers: Orphanet 871, MedGen C1970298, MONDO:0011474, OMIM 604559.
Erythrokeratodermia variabilis et progressiva 6. Identifiers: MedGen C5193144, MONDO:0032801, OMIM 618531.

Allele frequency attached by ClinVar (database versions not stated): gnomAD exomes below 0.00001; TOPMed below 0.00001.
gnomAD v4.1: 1 of 1,613,772 alleles (0.000062%); highest among the groups gnomAD compares: Non-Finnish European, 0.000085%; no homozygotes.

Submissions (2):

GeneDx
Classification: Uncertain significance. Last evaluated: 2023-03-31. Review status: criteria provided, single submitter. Criteria: GeneDx Variant Classification Process June 2021. Collection method: clinical testing. Allele origin: germline. Affected: yes.
Comment: Has been classified as a variant of uncertain significance in a cardiac arrest survivor with ventricular tachycardia (Mellor et al., 2017); Not observed at significant frequency in large population cohorts (gnomAD); In silico analysis supports that this missense variant has a deleterious effect on protein structure/function; This variant is associated with the following publications: (PMID: 28600387)

Fulgent Genetics
Classification: Uncertain significance for Progressive familial heart block type IB; Erythrokeratodermia variabilis et progressiva 6. Last evaluated: 2021-09-22. Review status: criteria provided, single submitter. Criteria: ACMG Guidelines, 2015. Collection method: clinical testing. Allele origin: unknown.